The following is an entry in ClinVar:

ClinVar aggregate classification (germline): Benign/Likely benign. Review status: criteria provided, multiple submitters, no conflicts (2 of 4 stars). 3 submissions from 3 submitters: Benign (1); Likely benign (2). Last evaluated 2024-10-30.

Conditions:
Hereditary cancer-predisposing syndrome. Also called: Neoplastic Syndromes, Hereditary; Hereditary neoplastic syndrome; Tumor predisposition; Hereditary Cancer Syndrome. Identifiers: Orphanet 140162, MedGen C0027672, MeSH D009386, MONDO:0015356.
Ataxia-telangiectasia syndrome (AT). Also called: Ataxia telangiectasia (A-T); Cerebello-oculocutaneous telangiectasia; Immunodeficiency with ataxia telangiectasia; LOUIS-BAR SYNDROME; AT, COMPLEMENTATION GROUP C; ATAXIA-TELANGIECTASIA, FRESNO VARIANT. Identifiers: Orphanet 100, MedGen C0004135, MONDO:0008840, OMIM 208900.
Familial cancer of breast. Also called: hereditary breast carcinoma; Hereditary breast cancer; BREAST CANCER, FAMILIAL. Identifiers: Orphanet 227535, MedGen C0346153, MONDO:0016419, OMIM 114480. Disease mechanism: loss of function.

Allele frequency attached by ClinVar (database versions not stated): gnomAD exomes below 0.00001; ExAC 0.00001.
gnomAD v4.1: 1 of 1,614,160 alleles (0.000062%); highest among the groups gnomAD compares: African/African-American, 0.0013%; no homozygotes.

Submissions (3):

Labcorp Genetics (formerly Invitae), Labcorp
Classification: Likely benign for Ataxia-telangiectasia syndrome. Last evaluated: 2024-10-30. Review status: criteria provided, single submitter. Criteria: Invitae Variant Classification Sherloc (09022015). Collection method: clinical testing. Allele origin: germline.

Myriad Genetics, Inc.
Classification: Benign for Familial cancer of breast. Last evaluated: 2024-06-06. Review status: criteria provided, single submitter. Criteria: Myriad Autosomal Dominant, Autosomal Recessive and X-Linked Classification Criteria (2023). Collection method: clinical testing. Allele origin: unknown.
Comment: This variant is considered benign. This variant is a silent/synonymous amino acid change and it is not expected to impact splicing.

Ambry Genetics
Classification: Likely benign for Hereditary cancer-predisposing syndrome. Last evaluated: 2015-06-08. Review status: criteria provided, single submitter. Criteria: Ambry Variant Classification Scheme 2023. Collection method: clinical testing. Allele origin: germline.

NM_000051.4(ATM):c.6462A>G (p.Glu2154=)

Genes: ATM (ATM serine/threonine kinase; plus strand), C11orf65 (chromosome 11 open reading frame 65; minus strand). Cytogenetic location: 11q22.3.
Variant type: single nucleotide variant.
Coding change: c.6462A>G on transcript NM_000051.4 (MANE Select); coding-DNA position 6462, A replaced by G.
Protein change: p.Glu2154=; no amino-acid change (glutamic acid 2154 retained).
Molecular consequence: synonymous variant. On other transcripts: intron variant (2).
Genome position (GRCh38, 1-based): chr11:108,321,310, A>G. VCF-style: chr11-108321310-A-G. GRCh37 (hg19) VCF-style: chr11-108192037-A-G.
Other names: c.6462A>G, p.Glu2154= (NM_001351834.2); c.641-12239T>C (NM_001330368.2); c.*39-12239T>C (NM_001351110.2).
Identifiers: ClinVar variation 232269 (VCV000232269.17), dbSNP rs756453090, ClinGen allele CA6265954.